The following is an entry in ClinVar:

NM_001044.5(SLC6A3):c.586G>A (p.Asp196Asn)

Gene: SLC6A3 (solute carrier family 6 member 3). Cytogenetic location: 5p15.33.
Variant type: single nucleotide variant.
Coding change: c.586G>A on transcript NM_001044.5 (MANE Select); coding-DNA position 586, G replaced by A.
Protein change: p.Asp196Asn; replaces aspartic acid 196 with asparagine.
Molecular consequence: missense variant.
Genome position (GRCh38, 1-based): chr5:1,432,531, C>T on the plus strand (G>A on the coding strand, the complement: SLC6A3 is on the minus strand). VCF-style: chr5-1432531-C-T. GRCh37 (hg19) VCF-style: chr5-1432646-C-T.
Other names: short protein forms D196N.
Identifiers: ClinVar variation 1523568 (VCV001523568.8), dbSNP rs2126394511, ClinGen allele CA359060373.
Genomic context (GRCh38, chr5:1,432,531, plus strand): 5'-ACTCGGCAGCAGGTGTGGTCCCAAAAGTGTCGTTGAGGCCCGAGCTGTCTCCACTGGAGT[C>T]ACCAGGATGGGCATCCGAGCAGTTGGGGCTGTTCCAGGAGTTGTTGCAGTGGATCCAGGG-3'
Protein context (NP_001035.1, residues 186-206): SPNCSDAHPG[Asp196Asn]SSGDSSGLND

ClinVar aggregate classification (germline): Uncertain significance (1 of 4 stars; one submission).

Conditions:
Parkinsonism-dystonia, infantile. Identifiers: Orphanet 238455, MedGen C2751067, MONDO:0013150.

Submission:

Labcorp Genetics (formerly Invitae), Labcorp
Classification: Uncertain significance for Parkinsonism-dystonia, infantile. Last evaluated: 2020-10-29. Review status: criteria provided, single submitter. Criteria: Invitae Variant Classification Sherloc (09022015). Collection method: clinical testing. Allele origin: germline.
Comment: This variant is not present in population databases (ExAC no frequency). This sequence change replaces aspartic acid with asparagine at codon 196 of the SLC6A3 protein (p.Asp196Asn). The aspartic acid residue is weakly conserved and there is a small physicochemical difference between aspartic acid and asparagine. This variant has not been reported in the literature in individuals with SLC6A3-related conditions. In summary, the available evidence is currently insufficient to determine the role of this variant in disease. Therefore, it has been classified as a Variant of Uncertain Significance. Algorithms developed to predict the effect of missense changes on protein structure and function output the following: SIFT: "Tolerated"; PolyPhen-2: "Benign"; Align-GVGD: "Class C0". The asparagine amino acid residue is found in multiple mammalian species, suggesting that this missense change does not adversely affect protein function. These predictions have not been confirmed by published functional studies and their clinical significance is uncertain.